The following is an entry in ClinVar:

ClinVar aggregate classification (germline): Uncertain significance (1 of 4 stars; one submission).

Conditions:
Neuropathy, hereditary sensory and autonomic, type 2A (HSAN2A). Also called: MORVAN DISEASE; NEUROPATHY, CONGENITAL SENSORY; NEUROPATHY, HEREDITARY SENSORY RADICULAR, AUTOSOMAL RECESSIVE; NEUROPATHY, HEREDITARY SENSORY, TYPE IIA; NEUROPATHY, PROGRESSIVE SENSORY, OF CHILDREN; HSAN IIA. Identifiers: Orphanet 970, MedGen C2752089, MONDO:0024309, OMIM 201300.
Generalized epilepsy with febrile seizures plus, type 7 (GEFSP7). Also called: GEFS+, TYPE 7. Identifiers: Orphanet 36387, MedGen C2751778, MONDO:0013470, OMIM 613863.

gnomAD v4.1: 1 of 1,586,656 alleles (0.000063%); no homozygotes.

Submission:

Labcorp Genetics (formerly Invitae), Labcorp
Classification: Uncertain significance for Neuropathy, hereditary sensory and autonomic, type 2A; Generalized epilepsy with febrile seizures plus, type 7. Last evaluated: 2022-06-18. Review status: criteria provided, single submitter. Criteria: Invitae Variant Classification Sherloc (09022015). Collection method: clinical testing. Allele origin: germline.
Comment: This variant has not been reported in the literature in individuals affected with SCN9A-related conditions. This variant is not present in population databases (gnomAD no frequency). This sequence change replaces lysine, which is basic and polar, with threonine, which is neutral and polar, at codon 1977 of the SCN9A protein (p.Lys1977Thr). In summary, the available evidence is currently insufficient to determine the role of this variant in disease. Therefore, it has been classified as a Variant of Uncertain Significance. Algorithms developed to predict the effect of missense changes on protein structure and function are either unavailable or do not agree on the potential impact of this missense change (SIFT: "Tolerated"; PolyPhen-2: "Not Available"; Align-GVGD: "Class C0").

NM_001365536.1(SCN9A):c.5963A>C (p.Lys1988Thr)

Genes: SCN1A-AS1 (SCN1A and SCN9A antisense RNA 1; plus strand), SCN9A (sodium voltage-gated channel alpha subunit 9; minus strand). Cytogenetic location: 2q24.3.
Variant type: single nucleotide variant.
Coding change: c.5963A>C on transcript NM_001365536.1 (MANE Select); coding-DNA position 5963, A replaced by C.
Protein change: p.Lys1988Thr; replaces lysine 1988 with threonine.
Molecular consequence: missense variant.
Genome position (GRCh38, 1-based): chr2:166,198,676, T>G on the plus strand (A>C on the coding strand, the complement: SCN9A is on the minus strand). VCF-style: chr2-166198676-T-G. GRCh37 (hg19) VCF-style: chr2-167055186-T-G.
Other names: c.5930A>C, p.Lys1977Thr (NM_002977.4); short protein forms K1988T, K1977T.
Identifiers: ClinVar variation 1996694 (VCV001996694.4), dbSNP rs780795130, ClinGen allele CA349050836.